The following is an entry in ClinVar:

ClinVar aggregate classification (germline): Uncertain significance. Review status: criteria provided, multiple submitters, no conflicts (2 of 4 stars). 5 submissions from 5 submitters: Uncertain significance (5). Last evaluated 2025-10-15.

Conditions:
Epidermolysis bullosa simplex 5C, with pyloric atresia (EBS5C). Also called: PLEC-Related Epidermolysis Bullosa with Pyloric Atresia; Epidermolysis bullosa simplex with pyloric atresia; PLEC1-Related Epidermolysis Bullosa with Pyloric Atresia. Identifiers: Orphanet 158684, MedGen C2677349, MONDO:0012807, OMIM 612138.
Epidermolysis bullosa simplex with nail dystrophy (EBS5D). Identifiers: MedGen C4225309, MONDO:0014661, OMIM 616487.
Epidermolysis bullosa simplex, Ogna type (EBS5A). Also called: Pidermolysis bullosa simplex 5A, Ogna type; EPIDERMOLYSIS BULLOSA SIMPLEX 5A, OGNA TYPE. Identifiers: Orphanet 79401, MedGen C0432317, MONDO:0007555, OMIM 131950.
Autosomal recessive limb-girdle muscular dystrophy type 2Q (LGMDR17). Also called: MUSCULAR DYSTROPHY, LIMB-GIRDLE, AUTOSOMAL RECESSIVE 17. Identifiers: Orphanet 254361, MedGen C3150989, MONDO:0013390, OMIM 613723.
Epidermolysis bullosa simplex 5B, with muscular dystrophy (EBS5B). Also called: EPIDERMOLYSIS BULLOSA SIMPLEX AND LIMB-GIRDLE MUSCULAR DYSTROPHY; Epidermolysis bullosa simplex with muscular dystrophy. Identifiers: Orphanet 257, MedGen C2931072, MONDO:0009181, OMIM 226670.
Inborn genetic diseases. Identifiers: MedGen C0950123, MeSH D030342.

Allele frequency attached by ClinVar (database versions not stated): gnomAD exomes 0.00002 and 0.00006; ExAC 0.00006; gnomAD 0.00022 and 0.00024; TOPMed 0.00022.
gnomAD v4.1: 64 of 1,610,592 alleles (0.004%); highest among the groups gnomAD compares: African/African-American, 0.083%; no homozygotes.

Submissions (5):

Ambry Genetics
Classification: Uncertain significance for Inborn genetic diseases. Last evaluated: 2025-10-15. Review status: criteria provided, single submitter. Criteria: Ambry Variant Classification Scheme 2023. Collection method: clinical testing. Allele origin: germline.
Comment: The c.6596A>G (p.K2199R) alteration is located in exon 32 (coding exon 31) of the PLEC gene. This alteration results from a A to G substitution at nucleotide position 6596, causing the lysine (K) at amino acid position 2199 to be replaced by an arginine (R). Based on data from gnomAD, the G allele has an overall frequency of 0.008% (21/269496) total alleles studied. The highest observed frequency was 0.087% (20/23114) of African alleles. Based on insufficient or conflicting evidence, the clinical significance of this alteration remains unclear.

Labcorp Genetics (formerly Invitae), Labcorp
Classification: Uncertain significance for Autosomal recessive limb-girdle muscular dystrophy type 2Q; Epidermolysis bullosa simplex, Ogna type; Epidermolysis bullosa simplex with nail dystrophy; Epidermolysis bullosa simplex 5C, with pyloric atresia; Epidermolysis bullosa simplex 5B, with muscular dystrophy. Last evaluated: 2025-05-27. Review status: criteria provided, single submitter. Criteria: Invitae Variant Classification Sherloc (09022015). Collection method: clinical testing. Allele origin: germline.
Comment: This sequence change replaces lysine, which is basic and polar, with arginine, which is basic and polar, at codon 2199 of the PLEC protein (p.Lys2199Arg). This variant is present in population databases (rs782342557, gnomAD 0.07%). This variant has not been reported in the literature in individuals affected with PLEC-related conditions. ClinVar contains an entry for this variant (Variation ID: 501038). An algorithm developed to predict the effect of missense changes on protein structure and function outputs the following: PolyPhen-2: "Benign". The arginine amino acid residue is found in multiple mammalian species, which suggests that this missense change does not adversely affect protein function. In summary, the available evidence is currently insufficient to determine the role of this variant in disease. Therefore, it has been classified as a Variant of Uncertain Significance.

Revvity Omics, Revvity
Classification: Uncertain significance. Last evaluated: 2025-05-08. Review status: criteria provided, single submitter. Criteria: ACMG Guidelines, 2015. Collection method: clinical testing. Allele origin: germline.

Blueprint Genetics
Classification: Uncertain significance. Last evaluated: 2024-07-04. Review status: criteria provided, single submitter. Criteria: ACMG Guidelines, 2015. Collection method: clinical testing. Allele origin: germline.

Eurofins Ntd Llc (ga)
Classification: Uncertain significance. Last evaluated: 2017-03-28. Review status: criteria provided, single submitter. Criteria: EGL Classification Definitions 2015. Collection method: clinical testing. Allele origin: germline. Observed: 2 variant alleles, 2 heterozygotes.

NM_201384.3(PLEC):c.6515A>G (p.Lys2172Arg)

Gene: PLEC (plectin; minus strand). Cytogenetic location: 8q24.3.
Variant type: single nucleotide variant.
Coding change: c.6515A>G on transcript NM_201384.3 (MANE Select); coding-DNA position 6515, A replaced by G.
Protein change: p.Lys2172Arg; replaces lysine 2172 with arginine.
Molecular consequence: missense variant.
Genome position (GRCh38, 1-based): chr8:143,923,414, T>C on the plus strand (A>G on the coding strand, the complement: PLEC is on the minus strand). VCF-style: chr8-143923414-T-C. GRCh37 (hg19) VCF-style: chr8-144997582-T-C.
Other names: c.6596A>G (NM_000445.3); c.6596A>G, p.Lys2199Arg (NM_000445.5); c.6473A>G, p.Lys2158Arg (NM_201378.4); c.6449A>G, p.Lys2150Arg (NM_201379.3); c.6926A>G, p.Lys2309Arg (NM_201380.4); c.6419A>G, p.Lys2140Arg (NM_201381.3); c.6515A>G, p.Lys2172Arg (NM_201382.4); c.6527A>G, p.Lys2176Arg (NM_201383.3); short protein forms K2140R, K2150R, K2158R, K2172R, K2176R, K2199R, K2309R.
Identifiers: ClinVar variation 501038 (VCV000501038.16), dbSNP rs782342557, ClinGen allele CA4925960.
Genomic context (GRCh38, chr8:143,923,414, plus strand): 5'-CGCAGTGTTGTCAGCTCCTGCTCCACCTGCGCCTTCTGCCGCAGCGTCTGCTCGGCGAAT[T>C]TCTTATGCTTCTCCATCTCCGCGTCAGCTGCCTGCTTCTGCCGCAGGGCCGCCTGCTCCG-3'
Protein context (NP_958786.1, residues 2162-2182): AADAEMEKHK[Lys2172Arg]FAEQTLRQKA